The following is an entry in ClinVar:

NM_005618.4(DLL1):c.171G>A (p.Arg57=)

Gene: DLL1 (delta like canonical Notch ligand 1; minus strand). Cytogenetic location: 6q27.
Variant type: single nucleotide variant.
Coding change: c.171G>A on transcript NM_005618.4 (MANE Select); coding-DNA position 171, G replaced by A.
Protein change: p.Arg57=; no amino-acid change (arginine 57 retained).
Molecular consequence: synonymous variant.
Genome position (GRCh38, 1-based): chr6:170,289,692, C>T on the plus strand (G>A on the coding strand, the complement: DLL1 is on the minus strand). VCF-style: chr6-170289692-C-T. GRCh37 (hg19) VCF-style: chr6-170598780-C-T.
Identifiers: ClinVar variation 1588204 (VCV001588204.32), dbSNP rs1054644956, ClinGen allele CA152196132.
Genomic context (GRCh38, chr6:170,289,692, plus strand): 5'-GCAGGGCGGCTCGGGGGACACGCTGGCCTGGTAGTGCTTGAGGCACACGCGGAAGAAGGT[C>T]CGGCAGGCGCACGGCGGTGGCCCCGCGCCCCCGCGGCAGCAGTTGCGGTTCCCCAGCAGC-3'
Protein context (NP_005609.3, residues 47-67): GGAGPPPCAC[Arg57=]TFFRVCLKHY

ClinVar aggregate classification (germline): Likely benign. Review status: criteria provided, multiple submitters, no conflicts (2 of 4 stars). 4 submissions from 4 submitters: Likely benign (4). Last evaluated 2026-02-01.

Allele frequency attached by ClinVar (database versions not stated): gnomAD exomes 0.00002; TOPMed 0.00009; gnomAD 0.00011 and 0.00012.
gnomAD v4.1: 235 of 1,547,040 alleles (0.015%); highest among the groups gnomAD compares: Non-Finnish European, 0.018%; no homozygotes.

Submissions (4):

Labcorp Genetics (formerly Invitae), Labcorp
Classification: Likely benign. Last evaluated: 2026-02-01. Review status: criteria provided, single submitter. Criteria: Invitae Variant Classification Sherloc (09022015). Collection method: clinical testing. Allele origin: germline.

CeGaT Center for Human Genetics Tuebingen
Classification: Likely benign. Last evaluated: 2023-12-01. Review status: criteria provided, single submitter. Criteria: CeGaT Center For Human Genetics Tuebingen Variant Classification Criteria Version 2. Collection method: clinical testing. Allele origin: germline. Affected: yes. Observed: 1 variant allele.
Comment: DLL1: BP4, BP7

Blueprint Genetics
Classification: Likely benign. Last evaluated: 2023-05-25. Review status: criteria provided, single submitter. Criteria: ACMG Guidelines, 2015. Collection method: clinical testing. Allele origin: germline.

Breakthrough Genomics
Classification: Likely benign. Review status: criteria provided, single submitter. Criteria: ACMG Guidelines, 2015. Collection method: not provided. Allele origin: germline. Inheritance: Autosomal dominant inheritance. Affected: yes.